The following is an entry in ClinVar:

ClinVar aggregate classification (germline): Likely benign. Review status: criteria provided, single submitter (1 of 4 stars). 2 submissions from 2 submitters: Likely benign (1). 1 of the submissions does not count toward it. Last evaluated 2025-08-01.

Conditions:
NIN-related disorder. Also called: NIN-related condition.

Allele frequency attached by ClinVar (database versions not stated): TOPMed 0.00001; ExAC 0.00001.

Submissions (2):

Labcorp Genetics (formerly Invitae), Labcorp
Classification: Likely benign. Last evaluated: 2025-08-01. Review status: criteria provided, single submitter. Criteria: Invitae Variant Classification Sherloc (09022015). Collection method: clinical testing. Allele origin: germline.

PreventionGenetics, part of Exact Sciences
Classification: Likely benign for NIN-related condition. Last evaluated: 2019-07-16. Review status: no assertion criteria provided. Collection method: clinical testing. Allele origin: germline. Not counted in ClinVar's aggregate classification.
Comment: This variant is classified as likely benign based on ACMG/AMP sequence variant interpretation guidelines (Richards et al. 2015 PMID: 25741868, with internal and published modifications).

NM_020921.4(NIN):c.1557C>T (p.Leu519=)

Gene: NIN (ninein; minus strand). Cytogenetic location: 14q22.1.
Variant type: single nucleotide variant.
Coding change: c.1557C>T on transcript NM_020921.4 (MANE Select); coding-DNA position 1557, C replaced by T.
Protein change: p.Leu519=; no amino-acid change (leucine 519 retained).
Molecular consequence: synonymous variant.
Genome position (GRCh38, 1-based): chr14:50,766,385, G>A on the plus strand (C>T on the coding strand, the complement: NIN is on the minus strand). VCF-style: chr14-50766385-G-A. GRCh37 (hg19) VCF-style: chr14-51233103-G-A.
Other names: c.1557C>T, p.Leu519= (NM_016350.5, NM_182944.3, NM_182946.2).
Identifiers: ClinVar variation 3049449 (VCV003049449.3), dbSNP rs752316600, ClinGen allele CA7182159.
Genomic context (GRCh38, chr14:50,766,385, plus strand): 5'-TTCATTTCTCATCTGTGTCAGTCTCTCTTCTTGCAGGAAGAACTCAGCACTGCTAGGATC[G>A]AGGTCACCAAACTAGAAGGGGAAAAGGGCAAAGCTGTCATTTTTCCCGAGTGCCCTTCTT-3'
Protein context (NP_065972.4, residues 509-529): ENVLAEKFGD[Leu519=]DPSSAEFFLQ